The following is an entry in ClinVar:

ClinVar aggregate classification (germline): Pathogenic (1 of 4 stars; one submission).

Conditions:
Duchenne muscular dystrophy (DMD). Also called: Duchenne Muscular Dystrophy (DMD); MUSCULAR DYSTROPHY, PSEUDOHYPERTROPHIC PROGRESSIVE, DUCHENNE TYPE. Identifiers: Orphanet 98896, MedGen C0013264, MONDO:0010679, OMIM 310200.

Submission:

Labcorp Genetics (formerly Invitae), Labcorp
Classification: Pathogenic for Duchenne muscular dystrophy. Last evaluated: 2021-07-09. Review status: criteria provided, single submitter. Criteria: Invitae Variant Classification Sherloc (09022015). Collection method: clinical testing. Allele origin: germline.
Comment: This variant is a gross deletion of the genomic region encompassing exon(s) 10-41 of the DMD gene. This variant would be expected to be in-frame, preserving the integrity of the reading frame. A similar copy number variant has been observed in individuals with DMD-related dystrophinopathies (PMID: 22776072, 23453023). The region of the DMD gene that includes exon(s) 40 has been determined to be clinically significant (PMID: 21520333, 28116794). Therefore, deletions that encompass that region are likely to be disease-causing. For these reasons, this variant has been classified as Pathogenic.

Literature cited by the submitters: PubMed 22776072; PubMed 23453023; PubMed 21520333; PubMed 28116794.

NC_000023.10:g.(?_32360197)_(32663289_?)del

Gene: DMD (dystrophin; minus strand). Cytogenetic location: Xp21.1.
Variant type: Deletion.
Identifiers: ClinVar variation 1455784 (VCV001455784.4).